The following is an entry in ClinVar:

ClinVar aggregate classification (germline): Uncertain significance. Review status: criteria provided, multiple submitters, no conflicts (2 of 4 stars). 5 submissions from 5 submitters: Uncertain significance (5). Last evaluated 2026-04-20.

Conditions:
Cardiovascular phenotype. Identifiers: MedGen CN230736.
Long QT syndrome (LQTS). Identifiers: MedGen C0023976, MeSH D008133, MONDO:0002442. Disease mechanism: loss of function. Inheritance: Various modes of inheritance.
Long QT syndrome 12 (LQT12). Identifiers: Orphanet 101016, Orphanet 768, MedGen C2751830, MONDO:0013062, OMIM 612955.

Allele frequency attached by ClinVar (database versions not stated): gnomAD exomes 0.00002; TOPMed 0.00002; ExAC 0.00004.
gnomAD v4.1: 32 of 1,614,086 alleles (0.002%); highest among the groups gnomAD compares: African/African-American, 0.0053%; no homozygotes.

Submissions (5):

Women's Health and Genetics/Laboratory Corporation of America, LabCorp
Classification: Uncertain significance. Last evaluated: 2026-04-20. Review status: criteria provided, single submitter. Criteria: LabCorp Variant Classification Summary - May 2015. Collection method: clinical testing. Allele origin: germline.
Comment: Variant summary: SNTA1 c.668C>T (p.Ser223Leu) results in a non-conservative amino acid change in the encoded protein sequence. Algorithms developed to predict the effect of missense changes on protein structure and function are either unavailable or do not agree on the potential impact of this missense change. The variant allele was found at a frequency of 2e-05 in 251444 control chromosomes (gnomAD). The available data on variant occurrences in the general population are insufficient to allow any conclusion about variant significance. c.668C>T has been observed in one individual affected with dilated cardiomyopathy (Dal Ferro_2017). The report does not provide unequivocal conclusions about association of the variant with Long QT Syndrome. To our knowledge, no experimental evidence demonstrating an impact on protein function has been reported. The following publication have been ascertained in the context of this evaluation (PMID: 28416588). ClinVar contains an entry for this variant (Variation ID: 190910). Based on the evidence outlined above, the variant was classified as uncertain significance.

Labcorp Genetics (formerly Invitae), Labcorp
Classification: Uncertain significance for Long QT syndrome. Last evaluated: 2025-07-06. Review status: criteria provided, single submitter. Criteria: Invitae Variant Classification Sherloc (09022015). Collection method: clinical testing. Allele origin: germline.
Comment: This sequence change replaces serine, which is neutral and polar, with leucine, which is neutral and non-polar, at codon 223 of the SNTA1 protein (p.Ser223Leu). This variant is present in population databases (rs779370807, gnomAD 0.004%). This variant has not been reported in the literature in individuals affected with SNTA1-related conditions. ClinVar contains an entry for this variant (Variation ID: 190910). Invitae Evidence Modeling of protein sequence and biophysical properties (such as structural, functional, and spatial information, amino acid conservation, physicochemical variation, residue mobility, and thermodynamic stability) indicates that this missense variant is not expected to disrupt SNTA1 protein function with a negative predictive value of 80%. In summary, the available evidence is currently insufficient to determine the role of this variant in disease. Therefore, it has been classified as a Variant of Uncertain Significance.

Ambry Genetics
Classification: Uncertain significance for Cardiovascular phenotype. Last evaluated: 2022-10-27. Review status: criteria provided, single submitter. Criteria: Ambry Variant Classification Scheme 2023. Collection method: clinical testing. Allele origin: germline.
Comment: The p.S223L variant (also known as c.668C>T), located in coding exon 3 of the SNTA1 gene, results from a C to T substitution at nucleotide position 668. The serine at codon 223 is replaced by leucine, an amino acid with dissimilar properties. This amino acid position is highly conserved in available vertebrate species. In addition, the in silico prediction for this alteration is inconclusive. The evidence for this gene-disease relationship is limited; therefore, the clinical significance of this alteration is unclear.

Fulgent Genetics
Classification: Uncertain significance for Long QT syndrome 12. Last evaluated: 2021-10-08. Review status: criteria provided, single submitter. Criteria: ACMG Guidelines, 2015. Collection method: clinical testing. Allele origin: unknown.

GeneDx
Classification: Uncertain significance. Last evaluated: 2012-08-16. Review status: criteria provided, single submitter. Criteria: GeneDx Variant Classification (06012015). Collection method: clinical testing. Allele origin: germline. Affected: yes.
Comment: The Ser223Leu variant in the SNTA1 gene has not been reported previously as a disease-causing mutation or as a benign polymorphism, to our knowledge. Ser223Leu results in a non-conservative amino acid substitution of a polar Serine residue with a non-polar Leucine residue at a position that is conserved in mammalian species. In silico analysis predicts Ser223Leu is possibly damaging to the protein structure/function. Additionally, the NHLBI ESP Exome Variant Server reports Ser223Leu was not observed in approximately 5,000 samples from individuals of European and African American backgrounds, indicating it is not a common benign variant in these populations. Nevertheless, no mutations in neighboring codons have been reported, suggesting this region of the protein may be tolerant of change. In summary, the clinical significance of the Ser223Leu variant in the SNTA1 gene is currently unknown. A pathogenic role of this variant would be supported if it co-segregates with a LQTS phenotype in a family. The variant is found in LQT panel(s).

Literature cited by the submitters: PubMed 28416588 (cited by Women's Health and Genetics/Laboratory Corporation of America, LabCorp).

NM_003098.3(SNTA1):c.668C>T (p.Ser223Leu)

Gene: SNTA1 (syntrophin alpha 1; minus strand). Cytogenetic location: 20q11.21.
Variant type: single nucleotide variant.
Coding change: c.668C>T on transcript NM_003098.3 (MANE Select); coding-DNA position 668, C replaced by T.
Protein change: p.Ser223Leu; replaces serine 223 with leucine.
Molecular consequence: missense variant.
Genome position (GRCh38, 1-based): chr20:33,417,752, G>A on the plus strand (C>T on the coding strand, the complement: SNTA1 is on the minus strand). VCF-style: chr20-33417752-G-A. GRCh37 (hg19) VCF-style: chr20-32005558-G-A.
Other names: p.S223L:TCG>TTG; short protein forms S223L.
Identifiers: ClinVar variation 190910 (VCV000190910.7), dbSNP rs779370807, ClinGen allele CA302261.